The following is an entry in ClinVar:

NM_016333.4(SRRM2):c.7902T>C (p.Ser2634=)

Gene: SRRM2 (serine/arginine repetitive matrix 2; plus strand). Cytogenetic location: 16p13.3.
Variant type: single nucleotide variant.
Coding change: c.7902T>C on transcript NM_016333.4 (MANE Select); coding-DNA position 7902, T replaced by C.
Protein change: p.Ser2634=; no amino-acid change (serine 2634 retained).
Molecular consequence: synonymous variant.
Genome position (GRCh38, 1-based): chr16:2,769,165, T>C. VCF-style: chr16-2769165-T-C. GRCh37 (hg19) VCF-style: chr16-2819166-T-C.
Identifiers: ClinVar variation 3904868 (VCV003904868.10).

ClinVar aggregate classification (germline): Likely benign (1 of 4 stars; one submission).

gnomAD v4.1: 43 of 1,611,812 alleles (0.0027%); highest among the groups gnomAD compares: Admixed American, 0.03%; no homozygotes.

Submission:

CeGaT Center for Human Genetics Tuebingen
Classification: Likely benign. Last evaluated: 2025-06-01. Review status: criteria provided, single submitter. Criteria: CeGaT Center For Human Genetics Tuebingen Variant Classification Criteria Version 2. Collection method: clinical testing. Allele origin: germline. Affected: yes. Observed: 1 variant allele.
Comment: SRRM2: BP4, BP7